The following is an entry in ClinVar:

ClinVar aggregate classification (germline): Uncertain significance. Review status: criteria provided, multiple submitters, no conflicts (2 of 4 stars). 6 submissions from 6 submitters: Uncertain significance (4). 2 of the submissions do not count toward it. Last evaluated 2025-07-05.

Conditions:
Cardiovascular phenotype. Identifiers: MedGen CN230736.
Dilated cardiomyopathy 1AA (CMD1AA). Also called: CARDIOMYOPATHY, DILATED, 1AA, WITH OR WITHOUT LEFT VENTRICULAR NONCOMPACTION; CARDIOMYOPATHY, FAMILIAL HYPERTROPHIC, 23, WITH OR WITHOUT LEFT VENTRICULAR NONCOMPACTION; Cardiomyopathy, dilated, 1AA, with or without LVNC. Identifiers: Orphanet 154, MedGen C2677338, MONDO:0012808, OMIM 612158.
Primary familial hypertrophic cardiomyopathy (HCM). Identifiers: Orphanet 99739, MedGen C0949658, MeSH D024741, MONDO:0024573. Inheritance: Various modes of inheritance.

Allele frequency attached by ClinVar (database versions not stated): gnomAD exomes below 0.00001 and 0.00002; ExAC 0.00001; TOPMed 0.00001; gnomAD 0.00003; ESP Exome Variant Server 0.00008.
gnomAD v4.1: 26 of 1,614,076 alleles (0.0016%); highest among the groups gnomAD compares: Admixed American, 0.0033%; no homozygotes.

Submissions (6):

Labcorp Genetics (formerly Invitae), Labcorp
Classification: Uncertain significance for Primary familial hypertrophic cardiomyopathy; Dilated cardiomyopathy 1AA. Last evaluated: 2025-07-05. Review status: criteria provided, single submitter. Criteria: Invitae Variant Classification Sherloc (09022015). Collection method: clinical testing. Allele origin: germline.
Comment: This sequence change replaces isoleucine, which is neutral and non-polar, with threonine, which is neutral and polar, at codon 514 of the ACTN2 protein (p.Ile514Thr). This variant is present in population databases (rs371954663, gnomAD 0.0009%). This variant has not been reported in the literature in individuals affected with ACTN2-related conditions. ClinVar contains an entry for this variant (Variation ID: 1041620). Invitae Evidence Modeling of protein sequence and biophysical properties (such as structural, functional, and spatial information, amino acid conservation, physicochemical variation, residue mobility, and thermodynamic stability) indicates that this missense variant is expected to disrupt ACTN2 protein function with a positive predictive value of 80%. In summary, the available evidence is currently insufficient to determine the role of this variant in disease. Therefore, it has been classified as a Variant of Uncertain Significance.

Revvity Omics, Revvity
Classification: Uncertain significance. Last evaluated: 2025-06-24. Review status: criteria provided, single submitter. Criteria: ACMG Guidelines, 2015. Collection method: clinical testing. Allele origin: germline.

Ambry Genetics
Classification: Uncertain significance for Cardiovascular phenotype. Last evaluated: 2025-04-18. Review status: criteria provided, single submitter. Criteria: Ambry Variant Classification Scheme 2023. Collection method: clinical testing. Allele origin: germline.
Comment: The p.I514T variant (also known as c.1541T>C), located in coding exon 14 of the ACTN2 gene, results from a T to C substitution at nucleotide position 1541. The isoleucine at codon 514 is replaced by threonine, an amino acid with similar properties. This variant was detected in a cardiomyopathy/arrhythmia genetic testing cohort; however, clinical details were limited, and additional cardiac variants were detected in some cases (van Lint FHM et al. Neth Heart J, 2019 Jun;27:304-309). This amino acid position is well conserved in available vertebrate species. In addition, this alteration is predicted to be deleterious by in silico analysis. Based on the available evidence, the clinical significance of this variant remains unclear.

Blueprint Genetics
Classification: Uncertain significance. Last evaluated: 2023-12-20. Review status: criteria provided, single submitter. Criteria: ACMG Guidelines, 2015. Collection method: clinical testing. Allele origin: germline.

Clinical Genetics, Academic Medical Center
Classification: Uncertain significance. Review status: no assertion criteria provided. Collection method: clinical testing. Allele origin: germline. Affected: yes. Study: VKGL Data-share Consensus. Not counted in ClinVar's aggregate classification.

Genome Diagnostics Laboratory, University Medical Center Utrecht
Classification: Uncertain significance. Review status: no assertion criteria provided. Collection method: clinical testing. Allele origin: germline. Affected: yes. Study: VKGL Data-share Consensus. Not counted in ClinVar's aggregate classification.

Literature cited by the submitters: PubMed 30847666 (cited by Ambry Genetics).

NM_001103.4(ACTN2):c.1541T>C (p.Ile514Thr)

Gene: ACTN2 (actinin alpha 2; plus strand). Cytogenetic location: 1q43.
Variant type: single nucleotide variant.
Coding change: c.1541T>C on transcript NM_001103.4 (MANE Select); coding-DNA position 1541, T replaced by C.
Protein change: p.Ile514Thr; replaces isoleucine 514 with threonine.
Molecular consequence: missense variant.
Genome position (GRCh38, 1-based): chr1:236,749,149, T>C. VCF-style: chr1-236749149-T-C. GRCh37 (hg19) VCF-style: chr1-236912449-T-C.
Other names: c.1541T>C (NM_001103.2, NM_001103.3); c.1541T>C, p.Ile514Thr (NM_001278343.2); c.917T>C, p.Ile306Thr (NM_001278344.2); short protein forms I306T, I514T.
Identifiers: ClinVar variation 1041620 (VCV001041620.12), dbSNP rs371954663, ClinGen allele CA1473191.